The following is an entry in ClinVar:

ClinVar aggregate classification (germline): Benign/Likely benign. Review status: criteria provided, multiple submitters, no conflicts (2 of 4 stars). 4 submissions from 4 submitters: Benign (3); Likely benign (1). Last evaluated 2024-11-28.

Allele frequency attached by ClinVar (database versions not stated): 1000 Genomes Project 0.32967; 1000 Genomes Project 30x 0.33073; ESP Exome Variant Server 0.40766; ExAC 0.42363; gnomAD exomes 0.42646; TOPMed 0.42704; gnomAD 0.46073 and 0.46375.

Submissions (4):

Blueprint Genetics
Classification: Likely benign. Last evaluated: 2024-11-28. Review status: criteria provided, single submitter. Criteria: ACMG Guidelines, 2015. Collection method: clinical testing. Allele origin: germline.

GeneDx
Classification: Benign. Last evaluated: 2018-07-09. Review status: criteria provided, single submitter. Criteria: GeneDx Variant Classification Process June 2021. Collection method: clinical testing. Allele origin: germline. Affected: yes.
Comment: This variant is associated with the following publications: (PMID: 16953279)

Breakthrough Genomics
Classification: Benign. Review status: criteria provided, single submitter. Criteria: ACMG Guidelines, 2015. Collection method: not provided. Allele origin: germline. Inheritance: Autosomal dominant inheritance. Affected: yes.

PreventionGenetics, part of Exact Sciences
Classification: Benign. Review status: criteria provided, single submitter. Criteria: ACMG Guidelines, 2015. Collection method: clinical testing. Allele origin: germline.

NM_001060.6(TBXA2R):c.*654G>A

Gene: TBXA2R (thromboxane A2 receptor; minus strand). Cytogenetic location: 19p13.3.
Variant type: single nucleotide variant.
Coding change: c.*654G>A on transcript NM_001060.6 (MANE Select); 654 bases downstream of the stop codon, G replaced by A.
Molecular consequence: 3 prime UTR variant. On other transcripts: synonymous variant (1).
Genome position (GRCh38, 1-based): chr19:3,595,034, C>T on the plus strand (G>A on the coding strand, the complement: TBXA2R is on the minus strand). VCF-style: chr19-3595034-C-T. GRCh37 (hg19) VCF-style: chr19-3595032-C-T.
Other names: c.1026G>A, p.Thr342= (NM_201636.3).
Identifiers: ClinVar variation 263264 (VCV000263264.6), dbSNP rs5758, ClinGen allele CA9080673.
Genomic context (GRCh38, chr19:3,595,034, plus strand): 5'-GGAGGCTGAGGCACGAGAATCGCTTGAACCCGGGAGGCGGAGGTTGCAGTGAGCCGAGAT[C>T]GTGCCACTGTACTCCAGGCTGGGCCACAGAGTGAGACTCCGTCTAAAAAAAAAAAAAAAA-3'